The following is an entry in ClinVar:

NM_022124.6(CDH23):c.4389del (p.Ile1463fs)

Gene: CDH23 (cadherin related 23; plus strand). Cytogenetic location: 10q22.1.
Variant type: Deletion.
Coding change: c.4389del on transcript NM_022124.6 (MANE Select); coding-DNA position 4389, one base deleted (C; older notation c.4389delC).
Protein change: p.Ile1463fs; shifts the reading frame from isoleucine 1463.
Molecular consequence: frameshift variant.
Genome position (GRCh38, 1-based): chr10:71,739,673, C deleted. VCF-style (leftmost placement, unchanged base first): chr10-71739672-TC-T. GRCh37 (hg19) VCF-style: chr10-73499429-TC-T.
Other names: short protein forms I1463fs.
Identifiers: ClinVar variation 3009333 (VCV003009333.3), dbSNP rs2494214067, ClinGen allele CA2740093032.

ClinVar aggregate classification (germline): Pathogenic (1 of 4 stars; one submission).

Submission:

Labcorp Genetics (formerly Invitae), Labcorp
Classification: Pathogenic. Last evaluated: 2024-03-13. Review status: criteria provided, single submitter. Criteria: Invitae Variant Classification Sherloc (09022015). Collection method: clinical testing. Allele origin: germline.
Comment: This sequence change creates a premature translational stop signal (p.Ile1463Metfs*53) in the CDH23 gene. It is expected to result in an absent or disrupted protein product. Loss-of-function variants in CDH23 are known to be pathogenic (PMID: 11138009, 21940737). This variant is not present in population databases (gnomAD no frequency). This variant has not been reported in the literature in individuals affected with CDH23-related conditions. For these reasons, this variant has been classified as Pathogenic.

Literature cited by the submitters: PubMed 11138009; PubMed 21940737.